The following is an entry in ClinVar:

NM_001142800.2(EYS):c.8305A>C (p.Ile2769Leu)

Genes: EYS (eyes shut homolog; minus strand), PHF3 (PHD finger protein 3; plus strand). Cytogenetic location: 6q12.
Variant type: single nucleotide variant.
Coding change: c.8305A>C on transcript NM_001142800.2 (MANE Select); coding-DNA position 8305, A replaced by C.
Protein change: p.Ile2769Leu; replaces isoleucine 2769 with leucine.
Molecular consequence: missense variant. On other transcripts: 3 prime UTR variant (5).
Genome position (GRCh38, 1-based): chr6:63,721,726, T>G on the plus strand (A>C on the coding strand, the complement: EYS is on the minus strand). VCF-style: chr6-63721726-T-G. GRCh37 (hg19) VCF-style: chr6-64431622-T-G.
Other names: c.*8018T>G (NM_001290259.2, NM_001370348.2, NM_001370349.2 and 2 more transcripts); c.8368A>C, p.Ile2790Leu (NM_001292009.2); short protein forms I2769L, I2790L.
Identifiers: ClinVar variation 2428230 (VCV002428230.3), dbSNP rs1244975432, ClinGen allele CA364385229.

ClinVar aggregate classification (germline): Uncertain significance (1 of 4 stars; one submission).

gnomAD v4.1: 1 of 1,550,976 alleles (0.000064%); highest among the groups gnomAD compares: Admixed American, 0.002%; no homozygotes.

Submission:

Labcorp Genetics (formerly Invitae), Labcorp
Classification: Uncertain significance. Last evaluated: 2022-03-10. Review status: criteria provided, single submitter. Criteria: Invitae Variant Classification Sherloc (09022015). Collection method: clinical testing. Allele origin: germline.
Comment: This sequence change replaces isoleucine, which is neutral and non-polar, with leucine, which is neutral and non-polar, at codon 2769 of the EYS protein (p.Ile2769Leu). This variant is present in population databases (no rsID available, gnomAD 0.004%). This variant has not been reported in the literature in individuals affected with EYS-related conditions. Algorithms developed to predict the effect of missense changes on protein structure and function output the following: SIFT: "Deleterious"; PolyPhen-2: "Benign"; Align-GVGD: "Class C0". The leucine amino acid residue is found in multiple mammalian species, which suggests that this missense change does not adversely affect protein function. In summary, the available evidence is currently insufficient to determine the role of this variant in disease. Therefore, it has been classified as a Variant of Uncertain Significance.